The following is an entry in ClinVar:

NM_021072.4(HCN1):c.106G>C (p.Glu36Gln)

Gene: HCN1 (hyperpolarization activated cyclic nucleotide gated potassium channel 1; minus strand). Cytogenetic location: 5p12.
Variant type: single nucleotide variant.
Coding change: c.106G>C on transcript NM_021072.4 (MANE Select); coding-DNA position 106, G replaced by C.
Protein change: p.Glu36Gln; replaces glutamic acid 36 with glutamine.
Molecular consequence: missense variant.
Genome position (GRCh38, 1-based): chr5:45,695,988, C>G on the plus strand (G>C on the coding strand, the complement: HCN1 is on the minus strand). VCF-style: chr5-45695988-C-G. GRCh37 (hg19) VCF-style: chr5-45696090-C-G.
Other names: short protein forms E36Q.
Identifiers: ClinVar variation 2120317 (VCV002120317.4), dbSNP rs1295976476, ClinGen allele CA359706734.

ClinVar aggregate classification (germline): Uncertain significance (1 of 4 stars; one submission).

Conditions:
Early-infantile DEE. Also called: Early infantile epileptic encephalopathy; Ohtahara syndrome; Early infantile epileptic encephalopathy with suppression bursts. Identifiers: Orphanet 1934, MedGen C0393706, MONDO:0800491.

Allele frequency attached by ClinVar (database versions not stated): gnomAD exomes below 0.00001.
gnomAD v4.1: 1 of 1,291,754 alleles (0.000077%); highest among the groups gnomAD compares: African/African-American, 0.0016%; no homozygotes.

Submission:

Labcorp Genetics (formerly Invitae), Labcorp
Classification: Uncertain significance for Early-infantile DEE. Last evaluated: 2023-06-05. Review status: criteria provided, single submitter. Criteria: Invitae Variant Classification Sherloc (09022015). Collection method: clinical testing. Allele origin: germline.
Comment: In summary, the available evidence is currently insufficient to determine the role of this variant in disease. Therefore, it has been classified as a Variant of Uncertain Significance. Advanced modeling of protein sequence and biophysical properties (such as structural, functional, and spatial information, amino acid conservation, physicochemical variation, residue mobility, and thermodynamic stability) performed at Invitae indicates that this missense variant is not expected to disrupt HCN1 protein function. ClinVar contains an entry for this variant (Variation ID: 2120317). This variant has not been reported in the literature in individuals affected with HCN1-related conditions. This variant is not present in population databases (gnomAD no frequency). This sequence change replaces glutamic acid, which is acidic and polar, with glutamine, which is neutral and polar, at codon 36 of the HCN1 protein (p.Glu36Gln).